The following is an entry in ClinVar:

NM_020937.4(FANCM):c.1241A>G (p.Asn414Ser)

Gene: FANCM (FA complementation group M; plus strand). Cytogenetic location: 14q21.2.
Variant type: single nucleotide variant.
Coding change: c.1241A>G on transcript NM_020937.4 (MANE Select); coding-DNA position 1241, A replaced by G.
Protein change: p.Asn414Ser; replaces asparagine 414 with serine.
Molecular consequence: missense variant.
Genome position (GRCh38, 1-based): chr14:45,154,754, A>G. VCF-style: chr14-45154754-A-G. GRCh37 (hg19) VCF-style: chr14-45623957-A-G.
Other names: c.1163A>G, p.Asn388Ser (NM_001308133.2); c.1241A>G, p.Asn414Ser (NM_001308134.2); short protein forms N414S, N388S.
Identifiers: ClinVar variation 4619600 (VCV004619600.1).

ClinVar aggregate classification (germline): Uncertain significance (1 of 4 stars; one submission).

Conditions:
Inborn genetic diseases. Identifiers: MedGen C0950123, MeSH D030342.

Submission:

Ambry Genetics
Classification: Uncertain significance for Inborn genetic diseases. Last evaluated: 2025-11-23. Review status: criteria provided, single submitter. Criteria: Ambry Variant Classification Scheme 2023. Collection method: clinical testing. Allele origin: germline.
Comment: The p.N414S variant (also known as c.1241A>G), located in coding exon 7 of the FANCM gene, results from an A to G substitution at nucleotide position 1241. The asparagine at codon 414 is replaced by serine, an amino acid with highly similar properties. This amino acid position is conserved. In addition, this alteration is predicted to be tolerated by in silico analysis. Based on the available evidence, the clinical significance of this variant remains unclear.